The following is an entry in ClinVar:

ClinVar aggregate classification (germline): Benign/Likely benign. Review status: criteria provided, multiple submitters, no conflicts (2 of 4 stars). 16 submissions from 16 submitters: Benign (10); Likely benign (3). 3 of the submissions do not count toward it. Last evaluated 2026-02-02.

Conditions:
Cardiovascular phenotype. Identifiers: MedGen CN230736.
Cardiomyopathy (CMYO). Also called: Cardiomyopathies. Identifiers: Orphanet 167848, MedGen C0878544, MONDO:0004994, HP:0001638. Inheritance: Various modes of inheritance.
Dilated cardiomyopathy 1DD (CMD1DD). Identifiers: Orphanet 154, MedGen C2750995, MONDO:0013168, OMIM 613172.

Allele frequency attached by ClinVar (database versions not stated): gnomAD exomes 0.00100; ExAC 0.00218; 1000 Genomes Project 0.00479; gnomAD 0.00526 and 0.00575; 1000 Genomes Project 30x 0.00531; ESP Exome Variant Server 0.00571; TOPMed 0.00574.
gnomAD v4.1: 1,506 of 1,537,790 alleles (0.098%); highest among the groups gnomAD compares: African/African-American, 1.9%; 17 homozygotes.

Submissions (16):

Labcorp Genetics (formerly Invitae), Labcorp
Classification: Benign for Dilated cardiomyopathy 1DD. Last evaluated: 2026-02-02. Review status: criteria provided, single submitter. Criteria: Invitae Variant Classification Sherloc (09022015). Collection method: clinical testing. Allele origin: germline.

ARUP Laboratories, Molecular Genetics and Genomics, ARUP Laboratories
Classification: Benign for Dilated cardiomyopathy 1DD. Last evaluated: 2025-07-08. Review status: criteria provided, single submitter. Criteria: ARUP Molecular Germline Variant Investigation Process 2024. Collection method: clinical testing. Allele origin: germline.

Molecular Diagnostic Laboratory for Inherited Cardiovascular Disease, Montreal Heart Institute
Classification: Benign. Last evaluated: 2025-04-09. Review status: criteria provided, single submitter. Criteria: ACMG Guidelines, 2015. Collection method: clinical testing. Allele origin: germline. Affected: no.

Blueprint Genetics
Classification: Likely benign. Last evaluated: 2024-08-06. Review status: criteria provided, single submitter. Criteria: ACMG Guidelines, 2015. Collection method: clinical testing. Allele origin: germline.

Women's Health and Genetics/Laboratory Corporation of America, LabCorp
Classification: Benign. Last evaluated: 2020-04-13. Review status: criteria provided, single submitter. Criteria: LabCorp Variant Classification Summary - May 2015. Collection method: clinical testing. Allele origin: germline.
Comment: Variant summary: RBM20 c.1881-3C>T alters a conserved nucleotide located close to a canonical splice site and therefore could affect mRNA splicing, leading to a significantly altered protein sequence. 4/4 computational tools predict no significant impact on normal splicing. However, these predictions have yet to be confirmed by functional studies. The variant allele was found at a frequency of 0.001 in 146224 control chromosomes, predominantly at a frequency of 0.019 within the African or African-American subpopulation in the gnomAD database. The observed variant frequency within African or African-American control individuals in the gnomAD database is approximately 760- fold the estimated maximal expected allele frequency for a pathogenic variant in RBM20 causing Cardiomyopathy phenotype (2.5e-05), strongly suggesting that the variant is a benign polymorphism found primarily in populations of African or African-American origin. c.1881-3C>T has been reported in the literature in individuals affected with Cardiomyopathy (e.g. Pugh_2014). These reports do not provide unequivocal conclusions about association of the variant with Cardiomyopathy. To our knowledge, no experimental evidence demonstrating an impact on protein function has been reported. Four other clinical diagnostic laboratories have submitted clinical-significance assessments for this variant to ClinVar after 2014 without evidence for independent evaluation. All laboratories classified the variant as benign. Based on the evidence outlined above, the variant was classified as benign.

Illumina Laboratory Services, Illumina
Classification: Likely benign for Dilated cardiomyopathy 1DD. Last evaluated: 2018-01-12. Review status: criteria provided, single submitter. Criteria: ICSL Variant Classification Criteria 13 December 2019. Collection method: clinical testing. Allele origin: germline.
Comment: This variant was observed in the ICSL laboratory as part of a predisposition screen in an ostensibly healthy population. It had not been previously curated by ICSL or reported in the Human Gene Mutation Database (HGMD: prior to June 1st, 2018), and was therefore a candidate for classification through an automated scoring system. Utilizing variant allele frequency, disease prevalence and penetrance estimates, and inheritance mode, an automated score was calculated to assess if this variant is too frequent to cause the disease. Based on the score and internal cut-off values, a variant classified as likely benign is not then subjected to further curation. The score for this variant resulted in a classification of likely benign for this disease.

Mayo Clinic Laboratories, Mayo Clinic
Classification: Benign. Last evaluated: 2017-10-30. Review status: criteria provided, single submitter. Criteria: ACMG Guidelines, 2015. Collection method: clinical testing. Allele origin: germline. Observed: 5 variant alleles.

CHEO Genetics Diagnostic Laboratory, Children's Hospital of Eastern Ontario
Classification: Benign for Cardiomyopathy. Last evaluated: 2016-03-03. Review status: criteria provided, single submitter. Criteria: ACMG Guidelines, 2015. Collection method: clinical testing. Allele origin: germline. Study: Canadian Open Genetics Repository.

Ambry Genetics
Classification: Benign for Cardiovascular phenotype. Last evaluated: 2015-07-27. Review status: criteria provided, single submitter. Criteria: Ambry Variant Classification Scheme 2023. Collection method: clinical testing. Allele origin: germline.

Eurofins Ntd Llc (ga)
Classification: Benign. Last evaluated: 2014-05-26. Review status: criteria provided, single submitter. Criteria: EGL Classification Definitions 2015. Collection method: clinical testing. Allele origin: germline. Observed: 1 variant allele, 1 heterozygote.

GeneDx
Classification: Benign. Last evaluated: 2013-07-05. Review status: criteria provided, single submitter. Criteria: GeneDx Variant Classification (06012015). Collection method: clinical testing. Allele origin: germline. Affected: yes.
Comment: This variant is considered likely benign or benign based on one or more of the following criteria: it is a conservative change, it occurs at a poorly conserved position in the protein, it is predicted to be benign by multiple in silico algorithms, and/or has population frequency not consistent with disease.

Laboratory for Molecular Medicine, Mass General Brigham Personalized Medicine
Classification: Likely benign. Last evaluated: 2012-08-16. Review status: criteria provided, single submitter. Criteria: LMM Criteria. Collection method: clinical testing. Allele origin: germline. Observed: 11 variant alleles.
Comment: c.1881-3C>T in intron 8 of RBM20: This variant is not expected to have clinical significance because it has been identified in 1.8% (25/1380) of African America n chromosomes by the NHLBI Exome Sequencing Project (u/EVS/; dbSNP rs138436392).

PreventionGenetics, part of Exact Sciences
Classification: Benign. Review status: criteria provided, single submitter. Criteria: ACMG Guidelines, 2015. Collection method: clinical testing. Allele origin: germline.

Clinical Genetics DNA and cytogenetics Diagnostics Lab, Erasmus MC, Erasmus Medical Center
Classification: Benign. Review status: no assertion criteria provided. Collection method: clinical testing. Allele origin: germline. Affected: yes. Study: VKGL Data-share Consensus. Not counted in ClinVar's aggregate classification.

Clinical Genetics, Academic Medical Center
Classification: Benign. Review status: no assertion criteria provided. Collection method: clinical testing. Allele origin: germline. Affected: yes. Study: VKGL Data-share Consensus. Not counted in ClinVar's aggregate classification.

Diagnostic Laboratory, Department of Genetics, University Medical Center Groningen
Classification: Benign for Dilated cardiomyopathy 1DD. Review status: no assertion criteria provided. Collection method: clinical testing. Allele origin: germline. Affected: yes. Study: VKGL Data-share Consensus. Not counted in ClinVar's aggregate classification.

Literature cited by the submitters: PubMed 24503780 (cited by Women's Health and Genetics/Laboratory Corporation of America, LabCorp).

NM_001134363.3(RBM20):c.1881-3C>T

Gene: RBM20 (RNA binding motif protein 20; plus strand). Cytogenetic location: 10q25.2.
Variant type: single nucleotide variant.
Coding change: c.1881-3C>T on transcript NM_001134363.3 (MANE Select); 3 bases into the intron before coding-DNA position 1881, C replaced by T.
Molecular consequence: intron variant.
Genome position (GRCh38, 1-based): chr10:110,812,275, C>T. VCF-style: chr10-110812275-C-T. GRCh37 (hg19) VCF-style: chr10-112572033-C-T.
Other names: p.?.
Identifiers: ClinVar variation 43979 (VCV000043979.45), dbSNP rs138436392, ClinGen allele CA133285.
Genomic context (GRCh38, chr10:110,812,275, plus strand): 5'-GTGTGGGTGGGGTGGGATGGGAGGTGTGAAGATTCTAAATCCTGCTCCTTGGCTCCCTCA[C>T]AGATATGGCCCAGAAAGGCCGCGGTCTCGTAGTCCGGTGAGCCGGTCACTCTCCCCGAGG-3'